The following is an entry in ClinVar:

ClinVar aggregate classification (germline): Uncertain significance. Review status: criteria provided, single submitter (1 of 4 stars). 2 submissions from 2 submitters: Uncertain significance (1). 1 of the submissions does not count toward it. Last evaluated 2021-08-31.

Conditions:
Cardiomyopathy (CMYO). Also called: Cardiomyopathies. Identifiers: Orphanet 167848, MedGen C0878544, MONDO:0004994, HP:0001638. Inheritance: Various modes of inheritance.
Dystrophin deficiency.
Duchenne muscular dystrophy (DMD). Also called: MUSCULAR DYSTROPHY, PSEUDOHYPERTROPHIC PROGRESSIVE, DUCHENNE TYPE; Duchenne Muscular Dystrophy (DMD). Identifiers: Orphanet 98896, MedGen C0013264, MONDO:0010679, OMIM 310200.
Becker muscular dystrophy (BMD). Also called: Becker Muscular Dystrophy (BMD); MUSCULAR DYSTROPHY, PSEUDOHYPERTROPHIC PROGRESSIVE, BECKER TYPE. Identifiers: Orphanet 98895, MedGen C0917713, MONDO:0010311, OMIM 300376.

gnomAD v4.1: 1 of 1,207,609 alleles (0.000083%); highest among the groups gnomAD compares: Non-Finnish European, 0.00011%; no homozygotes.

Submissions (2):

Labcorp Genetics (formerly Invitae), Labcorp
Classification: Uncertain significance for Duchenne muscular dystrophy. Last evaluated: 2021-08-31. Review status: criteria provided, single submitter. Criteria: Invitae Variant Classification Sherloc (09022015). Collection method: clinical testing. Allele origin: germline.
Comment: This sequence change replaces glutamine with lysine at codon 1885 of the DMD protein (p.Gln1885Lys). The glutamine residue is highly conserved and there is a small physicochemical difference between glutamine and lysine. This variant is not present in population databases (ExAC no frequency). This variant has not been reported in the literature in individuals affected with DMD-related conditions. Algorithms developed to predict the effect of missense changes on protein structure and function are either unavailable or do not agree on the potential impact of this missense change (SIFT: "Deleterious"; PolyPhen-2: "Benign"; Align-GVGD: "Class C0"). In summary, the available evidence is currently insufficient to determine the role of this variant in disease. Therefore, it has been classified as a Variant of Uncertain Significance.

Natera, Inc.
Classification: Uncertain significance for Becker muscular dystrophy; Cardiomyopathy; Duchenne muscular dystrophy; Dystrophin deficiency. Last evaluated: 2020-08-19. Review status: no assertion criteria provided. Collection method: clinical testing. Allele origin: germline. Not counted in ClinVar's aggregate classification.

NM_004006.3(DMD):c.5653C>A (p.Gln1885Lys)

Gene: DMD (dystrophin; minus strand). Cytogenetic location: Xp21.1.
Variant type: single nucleotide variant.
Coding change: c.5653C>A on transcript NM_004006.3 (MANE Select); coding-DNA position 5653, C replaced by A.
Protein change: p.Gln1885Lys; replaces glutamine 1885 with lysine.
Molecular consequence: missense variant.
Genome position (GRCh38, 1-based): chrX:32,343,220, G>T on the plus strand (C>A on the coding strand, the complement: DMD is on the minus strand). VCF-style: chrX-32343220-G-T. GRCh37 (hg19) VCF-style: chrX-32361337-G-T.
Other names: c.5629C>A, p.Gln1877Lys (NM_000109.4); c.5641C>A, p.Gln1881Lys (NM_004009.3); c.5284C>A, p.Gln1762Lys (NM_004010.3); c.1630C>A, p.Gln544Lys (NM_004011.4); c.1621C>A, p.Gln541Lys (NM_004012.4); short protein forms Q1762K, Q1877K, Q1881K, Q1885K, Q541K, Q544K.
Identifiers: ClinVar variation 1057191 (VCV001057191.7), dbSNP rs1295935628, ClinGen allele CA412666028.